The following is an entry in ClinVar:

ClinVar aggregate classification (germline): Likely benign (0 of 4 stars; one submission).

Conditions:
PLXNA4-related disorder. Also called: PLXNA4-related condition.

gnomAD v4.1: 28 of 1,614,142 alleles (0.0017%); highest among the groups gnomAD compares: African/African-American, 0.023%; no homozygotes.

Submission:

PreventionGenetics, part of Exact Sciences
Classification: Likely benign for PLXNA4-related condition. Last evaluated: 2022-04-28. Review status: no assertion criteria provided. Collection method: clinical testing. Allele origin: germline.
Comment: This variant is classified as likely benign based on ACMG/AMP sequence variant interpretation guidelines (Richards et al. 2015 PMID: 25741868, with internal and published modifications).

NM_020911.2(PLXNA4):c.3336C>T (p.Thr1112=)

Gene: PLXNA4 (plexin A4; minus strand). Cytogenetic location: 7q32.3.
Variant type: single nucleotide variant.
Coding change: c.3336C>T on transcript NM_020911.2 (MANE Select); coding-DNA position 3336, C replaced by T.
Protein change: p.Thr1112=; no amino-acid change (threonine 1112 retained).
Molecular consequence: synonymous variant.
Genome position (GRCh38, 1-based): chr7:132,181,537, G>A on the plus strand (C>T on the coding strand, the complement: PLXNA4 is on the minus strand). VCF-style: chr7-132181537-G-A. GRCh37 (hg19) VCF-style: chr7-131866296-G-A.
Other names: c.3336C>T, p.Thr1112= (NM_001393897.1).
Identifiers: ClinVar variation 3358326 (VCV003358326.1).
Genomic context (GRCh38, chr7:132,181,537, plus strand): 5'-GTTGAGGATGAGCAGGGACTGGACGTTGTCCAGGATGAAGCCAAACTCCTCGGGCCTCTC[G>A]GTCAGGTCTGACTGGTGGTCAGGACCCAGAGCGAGGGCGGGCGCCTGACAGGTCATCTCA-3'
Protein context (NP_065962.1, residues 1102-1122): ALGPDHQSDL[Thr1112=]ERPEEFGFIL